The following is an entry in ClinVar:

NM_001042492.3(NF1):c.1711del (p.Trp571fs)

Gene: NF1 (neurofibromin 1; plus strand). Cytogenetic location: 17q11.2.
Variant type: Deletion.
Coding change: c.1711del on transcript NM_001042492.3 (MANE Select); coding-DNA position 1711, one base deleted (T; older notation c.1711delT).
Protein change: p.Trp571fs; shifts the reading frame from tryptophan 571.
Molecular consequence: frameshift variant.
Genome position (GRCh38, 1-based): chr17:31,221,919, T deleted; the last of 4 consecutive T bases (chr17:31,221,916-31,221,919); deleting any one gives the same sequence. VCF-style (leftmost placement, unchanged base first): chr17-31221915-AT-A. GRCh37 (hg19) VCF-style: chr17-29548933-AT-A.
Other names: c.1711delT (NM_000267.3); c.1711delT, p.Trp571Glyfs (NM_000267.4); c.1711del, p.Trp571fs (NM_001128147.3); short protein forms W571fs.
Identifiers: ClinVar variation 817039 (VCV000817039.8), dbSNP rs1597706737, ClinGen allele CA915949726.

ClinVar aggregate classification (germline): Pathogenic. Review status: criteria provided, multiple submitters, no conflicts (2 of 4 stars). 3 submissions from 3 submitters: Pathogenic (3). Last evaluated 2023-04-11.

Conditions:
Hereditary cancer-predisposing syndrome. Also called: Hereditary Cancer Syndrome; Neoplastic Syndromes, Hereditary; Hereditary neoplastic syndrome; Tumor predisposition. Identifiers: Orphanet 140162, MedGen C0027672, MeSH D009386, MONDO:0015356.
Cardiovascular phenotype. Identifiers: MedGen CN230736.
Neurofibromatosis, type 1 (NF1). Also called: Peripheral type neurofibromatosis; Neurofibromatosis, type I; NEUROFIBROMATOSIS, TYPE I, SOMATIC; VON RECKLINGHAUSEN DISEASE. Identifiers: Orphanet 636, MedGen C0027831, MONDO:0018975, OMIM 162200. Disease mechanism: loss of function.

Submissions (3):

GeneDx
Classification: Pathogenic. Last evaluated: 2023-04-11. Review status: criteria provided, single submitter. Criteria: GeneDx Variant Classification Process June 2021. Collection method: clinical testing. Allele origin: germline. Affected: yes.
Comment: Frameshift variant predicted to result in protein truncation or nonsense mediated decay in a gene for which loss of function is a known mechanism of disease; Not observed at significant frequency in large population cohorts (gnomAD); This variant is associated with the following publications: (PMID: 25074460)

Ambry Genetics
Classification: Pathogenic for Cardiovascular phenotype; Hereditary cancer-predisposing syndrome. Last evaluated: 2022-12-20. Review status: criteria provided, single submitter. Criteria: Ambry Variant Classification Scheme 2023. Collection method: clinical testing. Allele origin: germline.
Comment: The c.1711delT variant, located in coding exon 15 of the NF1 gene, results from a deletion of one nucleotide at nucleotide position 1711, causing a translational frameshift with a predicted alternate stop codon (p.W571Gfs*15). This alteration was identified in a cohort of French patients with a confirmed or suspected clinical diagnosis of neurofibromatosis type 1 (Pasmant E et al. Eur J Hum Genet, 2015 May;23:596-601). This variant is considered to be rare based on population cohorts in the Genome Aggregation Database (gnomAD). This alteration is expected to result in loss of function by premature protein truncation or nonsense-mediated mRNA decay. As such, this alteration is interpreted as a disease-causing mutation.

Labcorp Genetics (formerly Invitae), Labcorp
Classification: Pathogenic for Neurofibromatosis, type 1. Last evaluated: 2022-07-04. Review status: criteria provided, single submitter. Criteria: Invitae Variant Classification Sherloc (09022015). Collection method: clinical testing. Allele origin: germline.
Comment: For these reasons, this variant has been classified as Pathogenic. ClinVar contains an entry for this variant (Variation ID: 817039). This premature translational stop signal has been observed in individual(s) with neurofibromatosis type I (PMID: 25074460). This variant is not present in population databases (gnomAD no frequency). This sequence change creates a premature translational stop signal (p.Trp571Glyfs*15) in the NF1 gene. It is expected to result in an absent or disrupted protein product. Loss-of-function variants in NF1 are known to be pathogenic (PMID: 10712197, 23913538).

Literature cited by the submitters: PubMed 25074460 (cited by Labcorp Genetics (formerly Invitae), Labcorp); PubMed 10712197 (cited by Labcorp Genetics (formerly Invitae), Labcorp); PubMed 23913538 (cited by Labcorp Genetics (formerly Invitae), Labcorp).